The following is an entry in ClinVar:

ClinVar aggregate classification (germline): Uncertain significance. Review status: criteria provided, multiple submitters, no conflicts (2 of 4 stars). 2 submissions from 2 submitters: Uncertain significance (2). Last evaluated 2023-07-06.

Submissions (2):

GeneDx
Classification: Uncertain significance. Last evaluated: 2023-07-06. Review status: criteria provided, single submitter. Criteria: GeneDx Variant Classification Process June 2021. Collection method: clinical testing. Allele origin: germline. Affected: yes.
Comment: Not observed at significant frequency in large population cohorts (gnomAD); In silico analysis supports that this missense variant has a deleterious effect on protein structure/function; Has not been previously published as pathogenic or benign to our knowledge

Labcorp Genetics (formerly Invitae), Labcorp
Classification: Uncertain significance. Last evaluated: 2022-08-24. Review status: criteria provided, single submitter. Criteria: Invitae Variant Classification Sherloc (09022015). Collection method: clinical testing. Allele origin: germline.
Comment: In summary, the available evidence is currently insufficient to determine the role of this variant in disease. Therefore, it has been classified as a Variant of Uncertain Significance. Algorithms developed to predict the effect of missense changes on protein structure and function are either unavailable or do not agree on the potential impact of this missense change (SIFT: "Deleterious"; PolyPhen-2: "Probably Damaging"; Align-GVGD: "Class C15"). ClinVar contains an entry for this variant (Variation ID: 1309479). This missense change has been observed in individual(s) with clinical features of SCN3A-related conditions (Invitae). This variant is not present in population databases (gnomAD no frequency). This sequence change replaces phenylalanine, which is neutral and non-polar, with valine, which is neutral and non-polar, at codon 403 of the SCN3A protein (p.Phe403Val).

NM_006922.4(SCN3A):c.1207T>G (p.Phe403Val)

Gene: SCN3A (sodium voltage-gated channel alpha subunit 3; minus strand). Cytogenetic location: 2q24.3.
Variant type: single nucleotide variant.
Coding change: c.1207T>G on transcript NM_006922.4 (MANE Select); coding-DNA position 1207, T replaced by G.
Protein change: p.Phe403Val; replaces phenylalanine 403 with valine.
Molecular consequence: missense variant.
Genome position (GRCh38, 1-based): chr2:165,154,625, A>C on the plus strand (T>G on the coding strand, the complement: SCN3A is on the minus strand). VCF-style: chr2-165154625-A-C. GRCh37 (hg19) VCF-style: chr2-166011135-A-C.
Other names: c.1207T>G, p.Phe403Val (NM_001081676.2, NM_001081677.2); short protein forms F403V.
Identifiers: ClinVar variation 1309479 (VCV001309479.9), dbSNP rs1688904462, ClinGen allele CA349238262.